The following is an entry in ClinVar:

NM_000057.4(BLM):c.2156T>C (p.Leu719Pro)

Gene: BLM (BLM RecQ like helicase; plus strand). Cytogenetic location: 15q26.1.
Variant type: single nucleotide variant.
Coding change: c.2156T>C on transcript NM_000057.4 (MANE Select); coding-DNA position 2156, T replaced by C.
Protein change: p.Leu719Pro; replaces leucine 719 with proline.
Molecular consequence: missense variant.
Genome position (GRCh38, 1-based): chr15:90,765,377, T>C. VCF-style: chr15-90765377-T-C. GRCh37 (hg19) VCF-style: chr15-91308607-T-C.
Other names: c.2156T>C, p.Leu719Pro (NM_001287246.2, NM_001287247.2); c.1031T>C, p.Leu344Pro (NM_001287248.2); short protein forms L719P, L344P.
Identifiers: ClinVar variation 3658261 (VCV003658261.3).

ClinVar aggregate classification (germline): Uncertain significance. Review status: criteria provided, multiple submitters, no conflicts (2 of 4 stars). 2 submissions from 2 submitters: Uncertain significance (2). Last evaluated 2026-07-06.

Conditions:
Bloom syndrome (BLM). Also called: Bloom-Torre-Machacek syndrome. Identifiers: Orphanet 125, MedGen C0005859, MONDO:0008876, OMIM 210900.
Hereditary cancer-predisposing syndrome. Also called: Tumor predisposition; Hereditary neoplastic syndrome; Hereditary Cancer Syndrome; Neoplastic Syndromes, Hereditary. Identifiers: Orphanet 140162, MedGen C0027672, MeSH D009386, MONDO:0015356.

Submissions (2):

Ambry Genetics
Classification: Uncertain significance for Hereditary cancer-predisposing syndrome. Last evaluated: 2026-07-06. Review status: criteria provided, single submitter. Criteria: Ambry Variant Classification Scheme 2023. Collection method: clinical testing. Allele origin: germline.
Comment: The p.L719P variant (also known as c.2156T>C), located in coding exon 8 of the BLM gene, results from a T to C substitution at nucleotide position 2156. The leucine at codon 719 is replaced by proline, an amino acid with similar properties. This amino acid position is conserved. In addition, this alteration is predicted to be deleterious by in silico analysis. Based on the available evidence, the clinical significance of this variant remains unclear.

Labcorp Genetics (formerly Invitae), Labcorp
Classification: Uncertain significance for Bloom syndrome. Last evaluated: 2025-09-28. Review status: criteria provided, single submitter. Criteria: Invitae Variant Classification Sherloc (09022015). Collection method: clinical testing. Allele origin: germline.
Comment: This sequence change replaces leucine, which is neutral and non-polar, with proline, which is neutral and non-polar, at codon 719 of the BLM protein (p.Leu719Pro). This variant is not present in population databases (gnomAD no frequency). This variant has not been reported in the literature in individuals affected with BLM-related conditions. ClinVar contains an entry for this variant (Variation ID: 3658261). Invitae Evidence Modeling of protein sequence and biophysical properties (such as structural, functional, and spatial information, amino acid conservation, physicochemical variation, residue mobility, and thermodynamic stability) indicates that this missense variant is expected to disrupt BLM protein function with a positive predictive value of 80%. In summary, the available evidence is currently insufficient to determine the role of this variant in disease. Therefore, it has been classified as a Variant of Uncertain Significance.